The following is an entry in ClinVar:

ClinVar aggregate classification (germline): Uncertain significance (1 of 4 stars; one submission).

Conditions:
Muscular dystrophy-dystroglycanopathy (congenital with brain and eye anomalies), type a, 8 (MDDGA8). Also called: WALKER-WARBURG SYNDROME OR MUSCLE-EYE-BRAIN DISEASE, GTDC2-RELATED. Identifiers: Orphanet 899, MedGen C3553813, MONDO:0013904, OMIM 614830.

gnomAD v4.1: 1 of 1,614,228 alleles (0.000062%); highest among the groups gnomAD compares: South Asian, 0.0011%; no homozygotes.

Submission:

Labcorp Genetics (formerly Invitae), Labcorp
Classification: Uncertain significance for Muscular dystrophy-dystroglycanopathy (congenital with brain and eye anomalies), type a, 8. Last evaluated: 2018-05-21. Review status: criteria provided, single submitter. Criteria: Invitae Variant Classification Sherloc (09022015). Collection method: clinical testing. Allele origin: germline.
Comment: In summary, the available evidence is currently insufficient to determine the role of this variant in disease. Therefore, it has been classified as a Variant of Uncertain Significance. Algorithms developed to predict the effect of missense changes on protein structure and function (SIFT, PolyPhen-2, Align-GVGD) all suggest that this variant is likely to be disruptive, but these predictions have not been confirmed by published functional studies and their clinical significance is uncertain. This variant has not been reported in the literature in individuals with POMGNT2-related disease. This variant is not present in population databases (ExAC no frequency). This sequence change replaces alanine with glycine at codon 153 of the POMGNT2 protein (p.Ala153Gly). The alanine residue is highly conserved and there is a small physicochemical difference between alanine and glycine.

NM_032806.6(POMGNT2):c.458C>G (p.Ala153Gly)

Gene: POMGNT2 (protein O-linked mannose N-acetylglucosaminyltransferase 2 (beta 1,4-); minus strand). Cytogenetic location: 3p22.1.
Variant type: single nucleotide variant.
Coding change: c.458C>G on transcript NM_032806.6 (MANE Select); coding-DNA position 458, C replaced by G.
Protein change: p.Ala153Gly; replaces alanine 153 with glycine.
Molecular consequence: missense variant.
Genome position (GRCh38, 1-based): chr3:43,080,974, G>C on the plus strand (C>G on the coding strand, the complement: POMGNT2 is on the minus strand). VCF-style: chr3-43080974-G-C. GRCh37 (hg19) VCF-style: chr3-43122466-G-C.
Other names: short protein forms A153G.
Identifiers: ClinVar variation 579831 (VCV000579831.5), dbSNP rs1559414712, ClinGen allele CA352303191.